The following is an entry in ClinVar:

NM_015073.3(SIPA1L3):c.3050C>T (p.Thr1017Ile)

Gene: SIPA1L3 (signal induced proliferation associated 1 like 3; plus strand). Cytogenetic location: 19q13.13.
Variant type: single nucleotide variant.
Coding change: c.3050C>T on transcript NM_015073.3 (MANE Select); coding-DNA position 3050, C replaced by T.
Protein change: p.Thr1017Ile; replaces threonine 1017 with isoleucine.
Molecular consequence: missense variant.
Genome position (GRCh38, 1-based): chr19:38,130,679, C>T. VCF-style: chr19-38130679-C-T. GRCh37 (hg19) VCF-style: chr19-38621319-C-T.
Other names: short protein forms T1017I.
Identifiers: ClinVar variation 2139141 (VCV002139141.4), dbSNP rs1971287858, ClinGen allele CA405612202.
Genomic context (GRCh38, chr19:38,130,679, plus strand): 5'-GGCAGGCCGGCCTCCGGCAGGGCAGCCGACTAGTGGAGATCTGCAAGGTGGCCGTGGTCA[C>T]ACTGACCCACGACCAGATGATCGACCTGCTGCGCACCTCTGTCACTGTGAAGGTGGTCAT-3'
Protein context (NP_055888.1, residues 1007-1027): LVEICKVAVV[Thr1017Ile]LTHDQMIDLL

ClinVar aggregate classification (germline): Uncertain significance (1 of 4 stars; one submission).

Allele frequency attached by ClinVar (database versions not stated): gnomAD exomes 0.00001.
gnomAD v4.1: 8 of 1,613,920 alleles (0.0005%); highest among the groups gnomAD compares: Non-Finnish European, 0.00059%; no homozygotes.

Submission:

Labcorp Genetics (formerly Invitae), Labcorp
Classification: Uncertain significance. Last evaluated: 2022-05-17. Review status: criteria provided, single submitter. Criteria: Invitae Variant Classification Sherloc (09022015). Collection method: clinical testing. Allele origin: germline.
Comment: This sequence change replaces threonine, which is neutral and polar, with isoleucine, which is neutral and non-polar, at codon 1017 of the SIPA1L3 protein (p.Thr1017Ile). This variant is not present in population databases (gnomAD no frequency). This variant has not been reported in the literature in individuals affected with SIPA1L3-related conditions. Algorithms developed to predict the effect of missense changes on protein structure and function (SIFT, PolyPhen-2, Align-GVGD) all suggest that this variant is likely to be disruptive. In summary, the available evidence is currently insufficient to determine the role of this variant in disease. Therefore, it has been classified as a Variant of Uncertain Significance.